The following is an entry in ClinVar:

ClinVar aggregate classification (germline): Uncertain significance (1 of 4 stars; one submission).

Conditions:
Hereditary hemochromatosis (HFE). Identifiers: MedGen C0392514, MONDO:0006507. Disease mechanism: loss of function.

gnomAD v4.1: 9 of 1,535,630 alleles (0.00059%); highest among the groups gnomAD compares: Admixed American, 0.002%; no homozygotes.

Submission:

Labcorp Genetics (formerly Invitae), Labcorp
Classification: Uncertain significance for Hereditary hemochromatosis. Last evaluated: 2024-10-17. Review status: criteria provided, single submitter. Criteria: Invitae Variant Classification Sherloc (09022015). Collection method: clinical testing. Allele origin: germline.
Comment: This sequence change replaces arginine, which is basic and polar, with glycine, which is neutral and non-polar, at codon 17 of the TFR2 protein (p.Arg17Gly). This variant is present in population databases (no rsID available, gnomAD 0.002%). This variant has not been reported in the literature in individuals affected with TFR2-related conditions. Invitae Evidence Modeling of protein sequence and biophysical properties (such as structural, functional, and spatial information, amino acid conservation, physicochemical variation, residue mobility, and thermodynamic stability) indicates that this missense variant is not expected to disrupt TFR2 protein function with a negative predictive value of 95%. In summary, the available evidence is currently insufficient to determine the role of this variant in disease. Therefore, it has been classified as a Variant of Uncertain Significance.

NM_003227.4(TFR2):c.49A>G (p.Arg17Gly)

Gene: TFR2 (transferrin receptor 2; minus strand). Cytogenetic location: 7q22.1.
Variant type: single nucleotide variant.
Coding change: c.49A>G on transcript NM_003227.4 (MANE Select); coding-DNA position 49, A replaced by G.
Protein change: p.Arg17Gly; replaces arginine 17 with glycine.
Molecular consequence: missense variant.
Genome position (GRCh38, 1-based): chr7:100,641,213, T>C on the plus strand (A>G on the coding strand, the complement: TFR2 is on the minus strand). VCF-style: chr7-100641213-T-C. GRCh37 (hg19) VCF-style: chr7-100238836-T-C.
Other names: short protein forms R17G.
Identifiers: ClinVar variation 3713905 (VCV003713905.2).